The following is an entry in ClinVar:

NM_000329.3(RPE65):c.1339-3C>G

Gene: RPE65 (retinoid isomerohydrolase RPE65; minus strand). Cytogenetic location: 1p31.3.
Variant type: single nucleotide variant.
Coding change: c.1339-3C>G on transcript NM_000329.3 (MANE Select); 3 bases into the intron before coding-DNA position 1339, C replaced by G.
Molecular consequence: intron variant.
Genome position (GRCh38, 1-based): chr1:68,431,179, G>C on the plus strand (C>G on the coding strand, the complement: RPE65 is on the minus strand). VCF-style: chr1-68431179-G-C. GRCh37 (hg19) VCF-style: chr1-68896862-G-C.
Identifiers: ClinVar variation 1962564 (VCV001962564.33), dbSNP rs1645823366, ClinGen allele CA2580063207.

ClinVar aggregate classification (germline): Uncertain significance. Review status: criteria provided, multiple submitters, no conflicts (2 of 4 stars). 2 submissions from 2 submitters: Uncertain significance (2). Last evaluated 2025-09-15.

Conditions:
Leber congenital amaurosis 2 (LCA2). Also called: AMAUROSIS CONGENITA OF LEBER II; Autosomal Recessive RPE65-Related Retinal Degeneration. Identifiers: Orphanet 65, MedGen C1859844, MONDO:0008765, OMIM 204100. Disease mechanism: loss of function.
Retinitis pigmentosa 20 (RP20). Identifiers: Orphanet 791, MedGen C3151086, MONDO:0013425, OMIM 613794.

Submissions (2):

Labcorp Genetics (formerly Invitae), Labcorp
Classification: Uncertain significance for Leber congenital amaurosis 2; Retinitis pigmentosa 20. Last evaluated: 2025-09-15. Review status: criteria provided, single submitter. Criteria: Invitae Variant Classification Sherloc (09022015). Collection method: clinical testing. Allele origin: germline.
Comment: This sequence change falls in intron 12 of the RPE65 gene. It does not directly change the encoded amino acid sequence of the RPE65 protein. It affects a nucleotide within the consensus splice site. This variant is not present in population databases (gnomAD no frequency). This variant has been observed in individual(s) with Leber congenital amaurosis (PMID: 34321860). ClinVar contains an entry for this variant (Variation ID: 1962564). Variants that disrupt the consensus splice site are a relatively common cause of aberrant splicing (PMID: 17576681, 9536098). Algorithms developed to predict the effect of sequence changes on RNA splicing suggest that this variant may disrupt the consensus splice site. In summary, the available evidence is currently insufficient to determine the role of this variant in disease. Therefore, it has been classified as a Variant of Uncertain Significance.

CeGaT Center for Human Genetics Tuebingen
Classification: Uncertain significance. Last evaluated: 2023-02-01. Review status: criteria provided, single submitter. Criteria: CeGaT Center For Human Genetics Tuebingen Variant Classification Criteria Version 2. Collection method: clinical testing. Allele origin: germline. Affected: yes. Observed: 1 variant allele.
Comment: RPE65: PM2, PP3

Literature cited by the submitters: PubMed 34321860 (cited by Labcorp Genetics (formerly Invitae), Labcorp); PubMed 17576681 (cited by Labcorp Genetics (formerly Invitae), Labcorp); PubMed 9536098 (cited by Labcorp Genetics (formerly Invitae), Labcorp).